The following is an entry in ClinVar:

ClinVar aggregate classification (germline): Pathogenic (1 of 4 stars; one submission).

Conditions:
Inborn genetic diseases. Identifiers: MedGen C0950123, MeSH D030342.

Submission:

Ambry Genetics
Classification: Pathogenic for Inborn genetic diseases. Last evaluated: 2026-08-04. Review status: criteria provided, single submitter. Criteria: Ambry Variant Classification Scheme 2023. Collection method: clinical testing. Allele origin: germline.
Comment: The c.457G>T (p.E153*) alteration, located in exon 3 (coding exon 3) of the CHD3 gene, consists of a G to T substitution at nucleotide position 457. This changes the amino acid from a glutamic acid (E) to a stop codon at amino acid position 153. This variant is expected to result in loss of function by premature protein truncation or nonsense-mediated mRNA decay. This variant was not reported in population-based cohorts in the Genome Aggregation Database (gnomAD). Based on the available evidence, this alteration is classified as pathogenic.

NM_001005273.3(CHD3):c.280G>T (p.Glu94Ter)

Gene: CHD3 (chromodomain helicase DNA binding protein 3; plus strand). Cytogenetic location: 17p13.1.
Variant type: single nucleotide variant.
Coding change: c.280G>T on transcript NM_001005273.3 (MANE Select); coding-DNA position 280, G replaced by T.
Protein change: p.Glu94Ter; replaces glutamic acid 94 with a stop codon.
Molecular consequence: nonsense.
Genome position (GRCh38, 1-based): chr17:7,890,637, G>T. VCF-style: chr17-7890637-G-T. GRCh37 (hg19) VCF-style: chr17-7793955-G-T.
Other names: c.457G>T, p.Glu153Ter (NM_001437504.1, NM_001437507.1, NM_001437508.1 and 2 more transcripts); c.280G>T, p.Glu94Ter (NM_005852.4); short protein forms E153*, E94*.
Identifiers: ClinVar variation 5034500 (VCV005034500.1).
Genomic context (GRCh38, chr17:7,890,637, plus strand): 5'-GAGGAGGAATTTGGTTCTGAGCGAGATGAGTACCGGGAGAAGTCAGAGAGTGGGGGCAGT[G>T]AATATGGAACCGGACCGGGTCGGAAACGAAGAAGGAAGCACCGAGAAAAAAAGGAGAAGA-3'